The following is an entry in ClinVar:

ClinVar aggregate classification (germline): Uncertain significance (1 of 4 stars; one submission).

Conditions:
Neuropathy, hereditary sensory, type 2C. Also called: KIF1A-Related HSAN2 (HSAN2C); Hereditary sensory and autonomic neuropathy type IIC. Identifiers: Orphanet 970, MedGen C3280168, MONDO:0013634, OMIM 614213.
Hereditary spastic paraplegia 30. Identifiers: Orphanet 101010, MedGen C5235139, MONDO:0012476.
Intellectual disability, autosomal dominant 9 (NESCAVS). Also called: NESCAV SYNDROME; KIF1A-Related Neurodevelopmental Disorder. Identifiers: Orphanet 662367, MedGen C5393830, MONDO:0013656, OMIM 614255.

Submission:

Labcorp Genetics (formerly Invitae), Labcorp
Classification: Uncertain significance for Hereditary spastic paraplegia 30; Neuropathy, hereditary sensory, type 2C; Intellectual disability, autosomal dominant 9. Last evaluated: 2023-07-31. Review status: criteria provided, single submitter. Criteria: Invitae Variant Classification Sherloc (09022015). Collection method: clinical testing. Allele origin: germline.
Comment: Advanced modeling of protein sequence and biophysical properties (such as structural, functional, and spatial information, amino acid conservation, physicochemical variation, residue mobility, and thermodynamic stability) has been performed at Invitae for this missense variant, however the output from this modeling did not meet the statistical confidence thresholds required to predict the impact of this variant on KIF1A protein function. This variant has not been reported in the literature in individuals affected with KIF1A-related conditions. This variant is not present in population databases (gnomAD no frequency). In summary, the available evidence is currently insufficient to determine the role of this variant in disease. Therefore, it has been classified as a Variant of Uncertain Significance. This sequence change replaces serine, which is neutral and polar, with phenylalanine, which is neutral and non-polar, at codon 912 of the KIF1A protein (p.Ser912Phe).

NM_001244008.2(KIF1A):c.3038C>T (p.Ser1013Phe)

Gene: KIF1A (kinesin family member 1A; minus strand). Cytogenetic location: 2q37.3.
Variant type: single nucleotide variant.
Coding change: c.3038C>T on transcript NM_001244008.2 (MANE Select); coding-DNA position 3038, C replaced by T.
Protein change: p.Ser1013Phe; replaces serine 1013 with phenylalanine.
Molecular consequence: missense variant.
Genome position (GRCh38, 1-based): chr2:240,747,261, G>A on the plus strand (C>T on the coding strand, the complement: KIF1A is on the minus strand). VCF-style: chr2-240747261-G-A. GRCh37 (hg19) VCF-style: chr2-241686678-G-A.
Other names: c.2762C>T, p.Ser921Phe (NM_001320705.2, NM_001330289.2, NM_001379638.1); c.2837C>T, p.Ser946Phe (NM_001330290.2, NM_001379634.1, NM_001379635.1 and 1 more transcripts); c.3113C>T, p.Ser1038Phe (NM_001379631.1); c.2987C>T, p.Ser996Phe (NM_001379632.1); c.3011C>T, p.Ser1004Phe (NM_001379633.1, NM_001379642.1, NM_001379645.1); c.2735C>T, p.Ser912Phe (NM_001379636.1, NM_001379639.1, NM_001379640.1 and 7 more transcripts); c.2810C>T, p.Ser937Phe (NM_001379637.1, NM_001379648.1); short protein forms S921F, S996F, S912F, S1004F, S937F, S946F, S1013F, S1038F.
Identifiers: ClinVar variation 2949207 (VCV002949207.3), dbSNP rs2537326902, ClinGen allele CA351319233.